The following is an entry in ClinVar:

ClinVar aggregate classification (germline): Conflicting classifications of pathogenicity. Review status: criteria provided, conflicting classifications (1 of 4 stars). 3 submissions from 3 submitters: Uncertain significance (2); Likely benign (1). Last evaluated 2025-06-12.

Conditions:
Inborn genetic diseases. Identifiers: MedGen C0950123, MeSH D030342.

Allele frequency attached by ClinVar (database versions not stated): gnomAD exomes 0.00001; ExAC 0.00004; gnomAD 0.00013; TOPMed 0.00013; 1000 Genomes Project 30x 0.00016; 1000 Genomes Project 0.00020.
gnomAD v4.1: 30 of 1,613,944 alleles (0.0019%); highest among the groups gnomAD compares: African/African-American, 0.037%; no homozygotes.

Submissions (3):

Ambry Genetics
Classification: Uncertain significance for Inborn genetic diseases. Last evaluated: 2025-06-12. Review status: criteria provided, single submitter. Criteria: Ambry Variant Classification Scheme 2023. Collection method: clinical testing. Allele origin: germline.

Labcorp Genetics (formerly Invitae), Labcorp
Classification: Likely benign. Last evaluated: 2024-01-27. Review status: criteria provided, single submitter. Criteria: Invitae Variant Classification Sherloc (09022015). Collection method: clinical testing. Allele origin: germline.

GeneDx
Classification: Uncertain significance. Last evaluated: 2024-01-25. Review status: criteria provided, single submitter. Criteria: GeneDx Variant Classification Process June 2021. Collection method: clinical testing. Allele origin: germline. Affected: yes.
Comment: Has not been previously published as pathogenic or benign to our knowledge; In silico analysis supports that this missense variant does not alter protein structure/function

NM_000213.5(ITGB4):c.1284G>T (p.Glu428Asp)

Gene: ITGB4 (integrin subunit beta 4; plus strand). Cytogenetic location: 17q25.1.
Variant type: single nucleotide variant.
Coding change: c.1284G>T on transcript NM_000213.5 (MANE Select); coding-DNA position 1284, G replaced by T.
Protein change: p.Glu428Asp; replaces glutamic acid 428 with aspartic acid.
Molecular consequence: missense variant.
Genome position (GRCh38, 1-based): chr17:75,731,880, G>T. VCF-style: chr17-75731880-G-T. GRCh37 (hg19) VCF-style: chr17-73727961-G-T.
Other names: c.1284G>T, p.Glu428Asp (NM_001005619.2, NM_001005731.3, NM_001321123.2); short protein forms E428D.
Identifiers: ClinVar variation 2731781 (VCV002731781.5), dbSNP rs550867902, ClinGen allele CA8768958.